The following is an entry in ClinVar:

NM_000487.6(ARSA):c.355C>G (p.Leu119Val)

Gene: ARSA (arylsulfatase A; minus strand). Cytogenetic location: 22q13.33.
Variant type: single nucleotide variant.
Coding change: c.355C>G on transcript NM_000487.6 (MANE Select); coding-DNA position 355, C replaced by G.
Protein change: p.Leu119Val; replaces leucine 119 with valine.
Molecular consequence: missense variant.
Genome position (GRCh38, 1-based): chr22:50,627,276, G>C on the plus strand (C>G on the coding strand, the complement: ARSA is on the minus strand). VCF-style: chr22-50627276-G-C. GRCh37 (hg19) VCF-style: chr22-51065704-G-C.
Other names: c.355C>G, p.Leu119Val (NM_001085425.3, NM_001085426.3, NM_001085427.3); c.97C>G, p.Leu33Val (NM_001085428.3, NM_001362782.2); short protein forms L119V, L33V.
Identifiers: ClinVar variation 648707 (VCV000648707.9), dbSNP rs1569081347, ClinGen allele CA412180909.

ClinVar aggregate classification (germline): Uncertain significance. Review status: criteria provided, multiple submitters, no conflicts (2 of 4 stars). 4 submissions from 4 submitters: Uncertain significance (3). 1 of the submissions does not count toward it. Last evaluated 2025-04-03.

Conditions:
Inborn genetic diseases. Identifiers: MedGen C0950123, MeSH D030342.
Metachromatic leukodystrophy (MLD). Also called: Cerebral sclerosis diffuse metachromatic form; SULFATIDE LIPIDOSIS; ARSA DEFICIENCY; CEREBROSIDE SULFATASE DEFICIENCY; METACHROMATIC LEUKOENCEPHALOPATHY; Arylsulfatase A Deficiency. Identifiers: Orphanet 512, MedGen C0023522, MONDO:0018868, OMIM 250100.

Allele frequency attached by ClinVar (database versions not stated): gnomAD exomes below 0.00001; gnomAD 0.00001.
gnomAD v4.1: 4 of 1,594,420 alleles (0.00025%); highest among the groups gnomAD compares: African/African-American, 0.004%; no homozygotes.

Submissions (4):

Ambry Genetics
Classification: Uncertain significance for Inborn genetic diseases. Last evaluated: 2025-04-03. Review status: criteria provided, single submitter. Criteria: Ambry Variant Classification Scheme 2023. Collection method: clinical testing. Allele origin: germline.

3billion
Classification: Uncertain significance for Metachromatic leukodystrophy. Last evaluated: 2025-02-05. Review status: criteria provided, single submitter. Criteria: ACMG Guidelines, 2015. Collection method: clinical testing. Allele origin: germline. Affected: yes.
Comment: The variant is observed at an extremely low frequency in the gnomAD v4.1.0 dataset (total allele frequency: <0.001%). Predicted Consequence/Location: Missense variant In silico tool predictions suggest damaging effect of the variant on gene or gene product [3Cnet: 0.99 (>=0.6, sensitivity 0.72 and precision 0.9)]. The variant has been reported as of uncertain significance (ClinVar ID: VCV000648707). Therefore, this variant is classified as VUS according to the recommendation of ACMG/AMP guideline.

Labcorp Genetics (formerly Invitae), Labcorp
Classification: Uncertain significance for Metachromatic leukodystrophy. Last evaluated: 2022-07-06. Review status: criteria provided, single submitter. Criteria: Invitae Variant Classification Sherloc (09022015). Collection method: clinical testing. Allele origin: germline.
Comment: This sequence change replaces leucine, which is neutral and non-polar, with valine, which is neutral and non-polar, at codon 119 of the ARSA protein (p.Leu119Val). This variant is not present in population databases (gnomAD no frequency). This variant has not been reported in the literature in individuals affected with ARSA-related conditions. ClinVar contains an entry for this variant (Variation ID: 648707). Algorithms developed to predict the effect of missense changes on protein structure and function (SIFT, PolyPhen-2, Align-GVGD) all suggest that this variant is likely to be tolerated. In summary, the available evidence is currently insufficient to determine the role of this variant in disease. Therefore, it has been classified as a Variant of Uncertain Significance.

Natera, Inc.
Classification: Uncertain significance for Metachromatic leukodystrophy. Last evaluated: 2020-04-06. Review status: no assertion criteria provided. Collection method: clinical testing. Allele origin: germline. Not counted in ClinVar's aggregate classification.